The following is an entry in ClinVar:

ClinVar aggregate classification (germline): Uncertain significance. Review status: criteria provided, multiple submitters, no conflicts (2 of 4 stars). 2 submissions from 2 submitters: Uncertain significance (2). Last evaluated 2024-11-13.

Conditions:
Inborn genetic diseases. Identifiers: MedGen C0950123, MeSH D030342.
Charcot-Marie-Tooth disease type 2. Also called: Charcot-Marie-Tooth type 2. Identifiers: Orphanet 64746, MedGen C0270914, MONDO:0018993.

Allele frequency attached by ClinVar (database versions not stated): TOPMed below 0.00001; ExAC 0.00001; gnomAD exomes below 0.00001.
gnomAD v4.1: 2 of 1,614,210 alleles (0.00012%); highest among the groups gnomAD compares: Non-Finnish European, 0.00017%; no homozygotes.

Submissions (2):

Ambry Genetics
Classification: Uncertain significance for Inborn genetic diseases. Last evaluated: 2024-11-13. Review status: criteria provided, single submitter. Criteria: Ambry Variant Classification Scheme 2023. Collection method: clinical testing. Allele origin: germline.

Labcorp Genetics (formerly Invitae), Labcorp
Classification: Uncertain significance for Charcot-Marie-Tooth disease type 2. Last evaluated: 2022-05-18. Review status: criteria provided, single submitter. Criteria: Invitae Variant Classification Sherloc (09022015). Collection method: clinical testing. Allele origin: germline.
Comment: In summary, the available evidence is currently insufficient to determine the role of this variant in disease. Therefore, it has been classified as a Variant of Uncertain Significance. Algorithms developed to predict the effect of missense changes on protein structure and function are either unavailable or do not agree on the potential impact of this missense change (SIFT: "Deleterious"; PolyPhen-2: "Benign"; Align-GVGD: "Class C0"). This variant has not been reported in the literature in individuals affected with BSCL2-related conditions. This variant is present in population databases (rs761151329, gnomAD 0.0009%). This sequence change replaces aspartic acid, which is acidic and polar, with alanine, which is neutral and non-polar, at codon 278 of the BSCL2 protein (p.Asp278Ala).

NM_001122955.4(BSCL2):c.1025A>C (p.Asp342Ala)

Genes: BSCL2 (BSCL2 lipid droplet biogenesis associated, seipin; minus strand), HNRNPUL2-BSCL2 (HNRNPUL2-BSCL2 readthrough (NMD candidate); minus strand). Cytogenetic location: 11q12.3.
Variant type: single nucleotide variant.
Coding change: c.1025A>C on transcript NM_001122955.4 (MANE Select); coding-DNA position 1025, A replaced by C.
Protein change: p.Asp342Ala; replaces aspartic acid 342 with alanine.
Molecular consequence: missense variant. On other transcripts: non-coding transcript variant (1).
Genome position (GRCh38, 1-based): chr11:62,691,122, T>G on the plus strand (A>C on the coding strand, the complement: BSCL2 is on the minus strand). VCF-style: chr11-62691122-T-G. GRCh37 (hg19) VCF-style: chr11-62458594-T-G.
Other names: c.691A>C, p.Thr231Pro (NM_001130702.2); c.1025A>C, p.Asp342Ala (NM_001386027.1, NM_001386028.1); c.833A>C, p.Asp278Ala (NM_032667.6); short protein forms T231P, D278A, D342A.
Identifiers: ClinVar variation 1944658 (VCV001944658.6), dbSNP rs761151329, ClinGen allele CA6053358.